The following is an entry in ClinVar:

ClinVar aggregate classification (germline): Uncertain significance (1 of 4 stars; one submission).

Allele frequency attached by ClinVar (database versions not stated): ExAC 0.00002; gnomAD 0.00001; TOPMed below 0.00001.
gnomAD v4.1: 7 of 1,613,692 alleles (0.00043%); highest among the groups gnomAD compares: Non-Finnish European, 0.00059%; no homozygotes.

Submission:

Labcorp Genetics (formerly Invitae), Labcorp
Classification: Uncertain significance. Last evaluated: 2022-06-08. Review status: criteria provided, single submitter. Criteria: Invitae Variant Classification Sherloc (09022015). Collection method: clinical testing. Allele origin: germline.
Comment: In summary, the available evidence is currently insufficient to determine the role of this variant in disease. Therefore, it has been classified as a Variant of Uncertain Significance. This variant has not been reported in the literature in individuals affected with DHX32-related conditions. Algorithms developed to predict the effect of missense changes on protein structure and function are either unavailable or do not agree on the potential impact of this missense change (SIFT: "Tolerated"; PolyPhen-2: "Probably Damaging"; Align-GVGD: "Class C0"). This variant is present in population databases (rs769971747, gnomAD 0.002%). This sequence change replaces aspartic acid, which is acidic and polar, with asparagine, which is neutral and polar, at codon 487 of the DHX32 protein (p.Asp487Asn).

NM_018180.3(DHX32):c.1459G>A (p.Asp487Asn)

Genes: DHX32 (DEAH-box helicase 32 (putative); minus strand), BCCIP (BRCA2 and CDKN1A interacting protein; plus strand). Cytogenetic location: 10q26.2.
Variant type: single nucleotide variant.
Coding change: c.1459G>A on transcript NM_018180.3 (MANE Select); coding-DNA position 1459, G replaced by A.
Protein change: p.Asp487Asn; replaces aspartic acid 487 with asparagine.
Molecular consequence: missense variant. On other transcripts: 3 prime UTR variant (1), intron variant (1).
Genome position (GRCh38, 1-based): chr10:125,841,827, C>T on the plus strand (G>A on the coding strand, the complement: DHX32 is on the minus strand). VCF-style: chr10-125841827-C-T. GRCh37 (hg19) VCF-style: chr10-127530396-C-T.
Other names: c.*468C>T (NM_078469.3); c.850+497C>T (NM_016567.4); short protein forms D487N.
Identifiers: ClinVar variation 1947317 (VCV001947317.4), dbSNP rs769971747, ClinGen allele CA5739178.
Genomic context (GRCh38, chr10:125,841,827, plus strand): 5'-GCACTTCATCTACACAGTCAAATTCACAGGACGCTAAGATAGACTTCGAGAGTTGTGGAT[C>T]AAGAGGAAACTCTGACATGATGATTCCAAATTCAGAAAGATTTCCATCATTATCCAGTGC-3'
Protein context (NP_060650.2, residues 477-497): FGIIMSEFPL[Asp487Asn]PQLSKSILAS